The following is an entry in ClinVar:

NM_000038.6(APC):c.636A>G (p.Lys212=)

Gene: APC (APC regulator of Wnt signaling pathway; plus strand). Cytogenetic location: 5q22.2.
Variant type: single nucleotide variant.
Coding change: c.636A>G on transcript NM_000038.6 (MANE Select); coding-DNA position 636, A replaced by G.
Protein change: p.Lys212=; no amino-acid change (lysine 212 retained).
Molecular consequence: synonymous variant. On other transcripts: 5 prime UTR variant (4), non-coding transcript variant (2).
Genome position (GRCh38, 1-based): chr5:112,780,894, A>G. VCF-style: chr5-112780894-A-G. GRCh37 (hg19) VCF-style: chr5-112116591-A-G.
Other names: c.636A>G, p.Lys212= (NM_001127510.3, NM_001354895.2, NM_001354896.2 and 16 more transcripts); c.666A>G, p.Lys222= (NM_001127511.3, NM_001354897.2, NM_001354902.2 and 1 more transcripts); c.561A>G, p.Lys187= (NM_001354898.2, NM_001354904.2, NM_001407451.1); c.459A>G, p.Lys153= (NM_001354900.2, NM_001354901.2, NM_001354905.2 and 1 more transcripts); c.-400A>G (NM_001354906.2, NM_001407470.1, NM_001407471.1 and 1 more transcripts); c.636A>G (NM_000038.5).
Identifiers: ClinVar variation 3148792 (VCV003148792.3), dbSNP rs2149641068, ClinGen allele CA445755525.

ClinVar aggregate classification (germline): Benign/Likely benign. Review status: criteria provided, multiple submitters, no conflicts (2 of 4 stars). 3 submissions from 3 submitters: Benign (1); Likely benign (2). Last evaluated 2024-10-22.

Conditions:
Familial adenomatous polyposis 1 (FAP1). Also called: POLYPOSIS, ADENOMATOUS INTESTINAL; FAMILIAL ADENOMATOUS POLYPOSIS 1, ATTENUATED. Identifiers: MedGen C2713442, MONDO:0021056, OMIM 175100. Disease mechanism: loss of function.
Hereditary cancer-predisposing syndrome. Also called: Neoplastic Syndromes, Hereditary; Tumor predisposition; Hereditary neoplastic syndrome; Hereditary Cancer Syndrome. Identifiers: Orphanet 140162, MedGen C0027672, MeSH D009386, MONDO:0015356.

Submissions (3):

Labcorp Genetics (formerly Invitae), Labcorp
Classification: Likely benign for Familial adenomatous polyposis 1. Last evaluated: 2024-10-22. Review status: criteria provided, single submitter. Criteria: Invitae Variant Classification Sherloc (09022015). Collection method: clinical testing. Allele origin: germline.

Myriad Genetics, Inc.
Classification: Benign for Familial adenomatous polyposis 1. Last evaluated: 2024-02-26. Review status: criteria provided, single submitter. Criteria: Myriad Autosomal Dominant, Autosomal Recessive and X-Linked Classification Criteria (2023). Collection method: clinical testing. Allele origin: unknown.
Comment: This variant is considered benign. This variant is a silent/synonymous amino acid change and it is not expected to impact splicing.

Ambry Genetics
Classification: Likely benign for Hereditary cancer-predisposing syndrome. Last evaluated: 2024-01-29. Review status: criteria provided, single submitter. Criteria: Ambry Variant Classification Scheme 2023. Collection method: clinical testing. Allele origin: germline.